The following is an entry in ClinVar:

NM_005228.5(EGFR):c.2144T>G (p.Ile715Ser)

Gene: EGFR (epidermal growth factor receptor; plus strand). Cytogenetic location: 7p11.2.
Variant type: single nucleotide variant.
Coding change: c.2144T>G on transcript NM_005228.5 (MANE Select); coding-DNA position 2144, T replaced by G.
Protein change: p.Ile715Ser; replaces isoleucine 715 with serine.
Molecular consequence: missense variant.
Genome position (GRCh38, 1-based): chr7:55,174,003, T>G. VCF-style: chr7-55174003-T-G. GRCh37 (hg19) VCF-style: chr7-55241696-T-G.
Other names: c.2009T>G, p.Ile670Ser (NM_001346897.2, NM_001346899.2); c.2144T>G, p.Ile715Ser (NM_001346898.2); c.1985T>G, p.Ile662Ser (NM_001346900.2); c.1343T>G, p.Ile448Ser (NM_001346941.2); short protein forms I448S, I670S, I715S, I662S.
Identifiers: ClinVar variation 2748938 (VCV002748938.3), dbSNP rs2128953695, ClinGen allele CA367583701.
Genomic context (GRCh38, chr7:55,174,003, plus strand): 5'-GTGGAGAAGCTCCCAACCAAGCTCTCTTGAGGATCTTGAAGGAAACTGAATTCAAAAAGA[T>G]CAAAGTGCTGGGCTCCGGTGCGTTCGGCACGGTGTATAAGGTAAGGTCCCTGGCACAGGC-3'
Protein context (NP_005219.2, residues 705-725): RILKETEFKK[Ile715Ser]KVLGSGAFGT

ClinVar aggregate classification (germline): Uncertain significance (1 of 4 stars; one submission).

Conditions:
EGFR-related lung cancer (EGFR). Identifiers: MedGen CN130014.

Submission:

Labcorp Genetics (formerly Invitae), Labcorp
Classification: Uncertain significance for EGFR-related lung cancer. Last evaluated: 2023-08-01. Review status: criteria provided, single submitter. Criteria: Invitae Variant Classification Sherloc (09022015). Collection method: clinical testing. Allele origin: germline.
Comment: In summary, the available evidence is currently insufficient to determine the role of this variant in disease. Therefore, it has been classified as a Variant of Uncertain Significance. Advanced modeling of protein sequence and biophysical properties (such as structural, functional, and spatial information, amino acid conservation, physicochemical variation, residue mobility, and thermodynamic stability) performed at Invitae indicates that this missense variant is not expected to disrupt EGFR protein function. This variant has not been reported in the literature in individuals affected with EGFR-related conditions. This variant is not present in population databases (gnomAD no frequency). This sequence change replaces isoleucine, which is neutral and non-polar, with serine, which is neutral and polar, at codon 715 of the EGFR protein (p.Ile715Ser).